The following is an entry in ClinVar:

NM_013382.7(POMT2):c.1094G>A (p.Gly365Asp)

Gene: POMT2 (protein O-mannosyltransferase 2; minus strand). Cytogenetic location: 14q24.3.
Variant type: single nucleotide variant.
Coding change: c.1094G>A on transcript NM_013382.7 (MANE Select); coding-DNA position 1094, G replaced by A.
Protein change: p.Gly365Asp; replaces glycine 365 with aspartic acid.
Molecular consequence: missense variant.
Genome position (GRCh38, 1-based): chr14:77,296,186, C>T on the plus strand (G>A on the coding strand, the complement: POMT2 is on the minus strand). VCF-style: chr14-77296186-C-T. GRCh37 (hg19) VCF-style: chr14-77762529-C-T.
Other names: short protein forms G365D.
Identifiers: ClinVar variation 573737 (VCV000573737.11), dbSNP rs139830891, ClinGen allele CA263834135.

ClinVar aggregate classification (germline): Uncertain significance. Review status: criteria provided, multiple submitters, no conflicts (2 of 4 stars). 4 submissions from 4 submitters: Uncertain significance (4). Last evaluated 2025-03-26.

Conditions:
Muscular dystrophy-dystroglycanopathy (congenital with impaired intellectual development), type B, 2. Also called: Muscular dystrophy-dystroglycanopathy (congenital with intellectual disability), type B2; MUSCULAR DYSTROPHY, CONGENITAL, POMT2-RELATED. Identifiers: MedGen C3150416, MONDO:0013160, OMIM 613156.
Autosomal recessive limb-girdle muscular dystrophy type 2N. Also called: Muscular dystrophy-dystroglycanopathy (limb-girdle), type C, 2; MUSCULAR DYSTROPHY-DYSTROGLYCANOPATHY, LIMB-GIRDLE, POMT2-RELATED. Identifiers: Orphanet 206559, MedGen C3150418, MONDO:0013162, OMIM 613158.
Muscular dystrophy-dystroglycanopathy (congenital with brain and eye anomalies), type A2. Also called: MUSCULAR DYSTROPHY-DYSTROGLYCANOPATHY (CONGENITAL WITH BRAIN AND EYE ANOMALIES), TYPE A, 2; WALKER-WARBURG SYNDROME OR MUSCLE-EYE-BRAIN DISEASE, POMT2-RELATED. Identifiers: Orphanet 588, Orphanet 899, MedGen C3150411, MONDO:0013154, OMIM 613150.
Inborn genetic diseases. Identifiers: MedGen C0950123, MeSH D030342.

Allele frequency attached by ClinVar (database versions not stated): gnomAD exomes 0.00001 and 0.00002; gnomAD 0.00001; ESP Exome Variant Server 0.00015; TOPMed 0.00001.
gnomAD v4.1: 17 of 1,606,082 alleles (0.0011%); highest among the groups gnomAD compares: Non-Finnish European, 0.0014%; no homozygotes.

Submissions (4):

Ambry Genetics
Classification: Uncertain significance for Inborn genetic diseases. Last evaluated: 2025-03-26. Review status: criteria provided, single submitter. Criteria: Ambry Variant Classification Scheme 2023. Collection method: clinical testing. Allele origin: germline.

Blueprint Genetics
Classification: Uncertain significance. Last evaluated: 2024-10-15. Review status: criteria provided, single submitter. Criteria: ACMG Guidelines, 2015. Collection method: clinical testing. Allele origin: germline.

Labcorp Genetics (formerly Invitae), Labcorp
Classification: Uncertain significance for Muscular dystrophy-dystroglycanopathy (congenital with impaired intellectual development), type B, 2; Muscular dystrophy-dystroglycanopathy (congenital with brain and eye anomalies), type A2; Autosomal recessive limb-girdle muscular dystrophy type 2N. Last evaluated: 2021-08-30. Review status: criteria provided, single submitter. Criteria: Invitae Variant Classification Sherloc (09022015). Collection method: clinical testing. Allele origin: germline.
Comment: This sequence change replaces glycine with aspartic acid at codon 365 of the POMT2 protein (p.Gly365Asp). The glycine residue is highly conserved and there is a moderate physicochemical difference between glycine and aspartic acid. This variant is not present in population databases (ExAC no frequency). This variant has not been reported in the literature in individuals affected with POMT2-related conditions. Algorithms developed to predict the effect of missense changes on protein structure and function (SIFT, PolyPhen-2, Align-GVGD) all suggest that this variant is likely to be disruptive. In summary, the available evidence is currently insufficient to determine the role of this variant in disease. Therefore, it has been classified as a Variant of Uncertain Significance.

Eurofins Ntd Llc (ga)
Classification: Uncertain significance. Last evaluated: 2018-03-27. Review status: criteria provided, single submitter. Criteria: EGL ClinVar v180209 classification definitions. Collection method: clinical testing. Allele origin: germline. Observed: 1 variant allele, 1 heterozygote.